The following is an entry in ClinVar:

ClinVar aggregate classification (germline): Uncertain significance. Review status: criteria provided, multiple submitters, no conflicts (2 of 4 stars). 2 submissions from 2 submitters: Uncertain significance (2). Last evaluated 2024-01-24.

Conditions:
RASopathy. Also called: rasopathies; Noonan spectrum disorder. Identifiers: Orphanet 536391, MedGen C5555857, MONDO:0021060.
Juvenile myelomonocytic leukemia (JMML). Also called: LEUKEMIA, JUVENILE MYELOMONOCYTIC, SOMATIC. Identifiers: Orphanet 86834, MedGen C0349639, MONDO:0011908, OMIM 607785, HP:0012209.
LEOPARD syndrome 1 (LPRD1). Also called: LENTIGINOSIS, CARDIOMYOPATHIC; MULTIPLE LENTIGINES SYNDROME; PTPN11-Related LEOPARD Syndrome. Identifiers: Orphanet 500, MedGen C4551484, MONDO:0100082, OMIM 151100.
Noonan syndrome 1 (NS1). Also called: FEMALE PSEUDO-TURNER SYNDROME; TURNER PHENOTYPE WITH NORMAL KARYOTYPE; PTPN11-Related Noonan Syndrome. Identifiers: Orphanet 648, MedGen C4551602, MONDO:0008104, OMIM 163950. Disease mechanism: gain of function.
Metachondromatosis (METCDS). Identifiers: Orphanet 2499, MedGen C0410530, MONDO:0007979, OMIM 156250.

Allele frequency attached by ClinVar (database versions not stated): gnomAD exomes below 0.00001.
gnomAD v4.1: 5 of 1,613,892 alleles (0.00031%); highest among the groups gnomAD compares: Non-Finnish European, 0.00034%; no homozygotes.

Submissions (2):

Fulgent Genetics
Classification: Uncertain significance for LEOPARD syndrome 1; Metachondromatosis; Noonan syndrome 1; Juvenile myelomonocytic leukemia. Last evaluated: 2024-01-24. Review status: criteria provided, single submitter. Criteria: ACMG Guidelines, 2015. Collection method: clinical testing. Allele origin: germline.

Labcorp Genetics (formerly Invitae), Labcorp
Classification: Uncertain significance for RASopathy. Last evaluated: 2023-07-14. Review status: criteria provided, single submitter. Criteria: Invitae Variant Classification Sherloc (09022015). Collection method: clinical testing. Allele origin: germline.
Comment: This sequence change replaces glycine, which is neutral and non-polar, with arginine, which is basic and polar, at codon 86 of the PTPN11 protein (p.Gly86Arg). This variant is not present in population databases (gnomAD no frequency). In summary, the available evidence is currently insufficient to determine the role of this variant in disease. Therefore, it has been classified as a Variant of Uncertain Significance. Advanced modeling of protein sequence and biophysical properties (such as structural, functional, and spatial information, amino acid conservation, physicochemical variation, residue mobility, and thermodynamic stability) performed at Invitae indicates that this missense variant is expected to disrupt PTPN11 protein function. ClinVar contains an entry for this variant (Variation ID: 1425818). This variant has not been reported in the literature in individuals affected with PTPN11-related conditions.

NM_002834.5(PTPN11):c.256G>A (p.Gly86Arg)

Gene: PTPN11 (protein tyrosine phosphatase non-receptor type 11; plus strand). Cytogenetic location: 12q24.13.
Variant type: single nucleotide variant.
Coding change: c.256G>A on transcript NM_002834.5 (MANE Select); coding-DNA position 256, G replaced by A.
Protein change: p.Gly86Arg; replaces glycine 86 with arginine.
Molecular consequence: missense variant.
Genome position (GRCh38, 1-based): chr12:112,450,436, G>A. VCF-style: chr12-112450436-G-A. GRCh37 (hg19) VCF-style: chr12-112888240-G-A.
Other names: c.256G>A, p.Gly86Arg (NM_001330437.2, NM_080601.3); c.253G>A, p.Gly85Arg (NM_001374625.1); short protein forms G85R, G86R.
Identifiers: ClinVar variation 1425818 (VCV001425818.7), dbSNP rs925129380, ClinGen allele CA243707921.